The following is an entry in ClinVar:

NM_014270.5(SLC7A9):c.411T>C (p.Cys137=)

Gene: SLC7A9 (solute carrier family 7 member 9; minus strand). Cytogenetic location: 19q13.11.
Variant type: single nucleotide variant.
Coding change: c.411T>C on transcript NM_014270.5 (MANE Select); coding-DNA position 411, T replaced by C.
Protein change: p.Cys137=; no amino-acid change (cysteine 137 retained).
Molecular consequence: synonymous variant.
Genome position (GRCh38, 1-based): chr19:32,864,163, A>G on the plus strand (T>C on the coding strand, the complement: SLC7A9 is on the minus strand). VCF-style: chr19-32864163-A-G. GRCh37 (hg19) VCF-style: chr19-33355069-A-G.
Other names: p.Cys137=; c.411T>C, p.Cys137= (NM_001126335.2, NM_001243036.2).
Identifiers: ClinVar variation 328762 (VCV000328762.18), dbSNP rs12150890, ClinGen allele CA9358851.

ClinVar aggregate classification (germline): Benign. Review status: criteria provided, multiple submitters, no conflicts (2 of 4 stars). 7 submissions from 7 submitters: Benign (7). Last evaluated 2026-03-03.

Conditions:
Cystinuria (CSNU). Also called: Cystinuria, non-type I; CYSTINURIA, TYPE I; CYSTINURIA, TYPE II; CYSTINURIA, TYPE III. Identifiers: Orphanet 214, MedGen C0010691, MONDO:0009067, OMIM 220100, HP:0003131.

Allele frequency attached by ClinVar (database versions not stated): 1000 Genomes Project 30x 0.07121; 1000 Genomes Project 0.07228; gnomAD 0.09440; TOPMed 0.09732; ESP Exome Variant Server 0.10526.
gnomAD v4.1: 206,597 of 1,613,792 alleles (13%); highest among the groups gnomAD compares: Middle Eastern, 15%; 14,391 homozygotes.

Submissions (7):

Women's Health and Genetics/Laboratory Corporation of America, LabCorp
Classification: Benign. Last evaluated: 2026-03-03. Review status: criteria provided, single submitter. Criteria: LabCorp Variant Classification Summary - May 2015. Collection method: clinical testing. Allele origin: germline.

Labcorp Genetics (formerly Invitae), Labcorp
Classification: Benign. Last evaluated: 2026-02-04. Review status: criteria provided, single submitter. Criteria: Invitae Variant Classification Sherloc (09022015). Collection method: clinical testing. Allele origin: germline.

Blueprint Genetics
Classification: Benign. Last evaluated: 2024-11-28. Review status: criteria provided, single submitter. Criteria: ACMG Guidelines, 2015. Collection method: clinical testing. Allele origin: germline.

Mayo Clinic Laboratories, Mayo Clinic
Classification: Benign. Last evaluated: 2022-03-09. Review status: criteria provided, single submitter. Criteria: ACMG Guidelines, 2015. Collection method: clinical testing. Allele origin: germline. Observed: 55 variant alleles.

GeneDx
Classification: Benign. Last evaluated: 2019-04-03. Review status: criteria provided, single submitter. Criteria: GeneDx Variant Classification Process June 2021. Collection method: clinical testing. Allele origin: germline. Affected: yes.

Illumina Laboratory Services, Illumina
Classification: Benign for Cystinuria. Last evaluated: 2018-01-13. Review status: criteria provided, single submitter. Criteria: ICSL Variant Classification Criteria 13 December 2019. Collection method: clinical testing. Allele origin: germline.
Comment: This variant was observed in the ICSL laboratory as part of a predisposition screen in an ostensibly healthy population. It had not been previously curated by ICSL or reported in the Human Gene Mutation Database (HGMD: prior to June 1st, 2018), and was therefore a candidate for classification through an automated scoring system. Utilizing variant allele frequency, disease prevalence and penetrance estimates, and inheritance mode, an automated score was calculated to assess if this variant is too frequent to cause the disease. Based on the score and internal cut-off values, a variant classified as benign is not then subjected to further curation. The score for this variant resulted in a classification of benign for this disease.

Breakthrough Genomics
Classification: Benign. Review status: criteria provided, single submitter. Criteria: ACMG Guidelines, 2015. Collection method: not provided. Allele origin: germline. Inheritance: Autosomal dominant inheritance. Affected: yes.